The following is an entry in ClinVar:

ClinVar aggregate classification (germline): Uncertain significance (1 of 4 stars; one submission).

gnomAD v4.1: 1 of 1,612,332 alleles (0.000062%); no homozygotes.

Submission:

Labcorp Genetics (formerly Invitae), Labcorp
Classification: Uncertain significance. Last evaluated: 2024-08-07. Review status: criteria provided, single submitter. Criteria: Invitae Variant Classification Sherloc (09022015). Collection method: clinical testing. Allele origin: germline.
Comment: This sequence change falls in intron 24 of the PACS2 gene. It does not directly change the encoded amino acid sequence of the PACS2 protein. It affects a nucleotide within the consensus splice site. This variant is not present in population databases (gnomAD no frequency). This variant has not been reported in the literature in individuals affected with PACS2-related conditions. Variants that disrupt the consensus splice site are a relatively common cause of aberrant splicing (PMID: 17576681, 9536098). Algorithms developed to predict the effect of sequence changes on RNA splicing suggest that this variant may disrupt the consensus splice site. In summary, the available evidence is currently insufficient to determine the role of this variant in disease. Therefore, it has been classified as a Variant of Uncertain Significance.

Literature cited by the submitters: PubMed 17576681; PubMed 9536098.

NM_001100913.3(PACS2):c.2597-3C>T

Gene: PACS2 (phosphofurin acidic cluster sorting protein 2; plus strand). Cytogenetic location: 14q32.33.
Variant type: single nucleotide variant.
Coding change: c.2597-3C>T on transcript NM_001100913.3 (MANE Select); 3 bases into the intron before coding-DNA position 2597, C replaced by T.
Molecular consequence: intron variant.
Genome position (GRCh38, 1-based): chr14:105,394,551, C>T. VCF-style: chr14-105394551-C-T. GRCh37 (hg19) VCF-style: chr14-105860888-C-T.
Other names: c.2327-3C>T (NM_001243127.3); c.2552-3C>T (NM_015197.4).
Identifiers: ClinVar variation 2854017 (VCV002854017.3), dbSNP rs2544918893, ClinGen allele CA2626906037.
Genomic context (GRCh38, chr14:105,394,551, plus strand): 5'-GCAGGTGGATAGGGTGGGCAGGCCGGGCAGGGGGGCAGGCGGTCAGGCAGCCCTCTCCCA[C>T]AGTCCTCATCGACGGCGTGGAGTGCAGCGACGTCAAGTTCTTCCAGCTGGCCGCGCAGTG-3'